The following is an entry in ClinVar:

ClinVar aggregate classification (germline): Uncertain significance (1 of 4 stars; one submission).

Conditions:
Primary familial hypertrophic cardiomyopathy (HCM). Identifiers: Orphanet 99739, MedGen C0949658, MeSH D024741, MONDO:0024573. Inheritance: Various modes of inheritance.

gnomAD v4.1: 6 of 1,613,898 alleles (0.00037%); highest among the groups gnomAD compares: Admixed American, 0.005%; no homozygotes.

Submission:

Labcorp Genetics (formerly Invitae), Labcorp
Classification: Uncertain significance for Primary familial hypertrophic cardiomyopathy. Last evaluated: 2025-02-06. Review status: criteria provided, single submitter. Criteria: Invitae Variant Classification Sherloc (09022015). Collection method: clinical testing. Allele origin: germline.
Comment: This sequence change replaces arginine, which is basic and polar, with glutamine, which is neutral and polar, at codon 241 of the ILK protein (p.Arg241Gln). This variant is present in population databases (rs773215648, gnomAD 0.006%). This variant has not been reported in the literature in individuals affected with ILK-related conditions. An algorithm developed to predict the effect of missense changes on protein structure and function (PolyPhen-2) suggests that this variant is likely to be tolerated. In summary, the available evidence is currently insufficient to determine the role of this variant in disease. Therefore, it has been classified as a Variant of Uncertain Significance.

NM_004517.4(ILK):c.722G>A (p.Arg241Gln)

Genes: ILK (integrin linked kinase; plus strand), TAF10 (TATA-box binding protein associated factor 10; minus strand). Cytogenetic location: 11p15.4.
Variant type: single nucleotide variant.
Coding change: c.722G>A on transcript NM_004517.4 (MANE Select); coding-DNA position 722, G replaced by A.
Protein change: p.Arg241Gln; replaces arginine 241 with glutamine.
Molecular consequence: missense variant. On other transcripts: 3 prime UTR variant (1).
Genome position (GRCh38, 1-based): chr11:6,609,402, G>A. VCF-style: chr11-6609402-G-A. GRCh37 (hg19) VCF-style: chr11-6630633-G-A.
Other names: c.722G>A, p.Arg241Gln (NM_001014794.3, NM_001014795.3); c.539G>A, p.Arg180Gln (NM_001278441.2); c.320G>A, p.Arg107Gln (NM_001278442.2); c.*1520C>T (NM_006284.4); short protein forms R241Q, R107Q, R180Q.
Identifiers: ClinVar variation 4708418 (VCV004708418.1).